The following is an entry in ClinVar:

ClinVar aggregate classification (germline): Uncertain significance (1 of 4 stars; one submission).

Submission:

GeneDx
Classification: Uncertain significance. Last evaluated: 2021-04-14. Review status: criteria provided, single submitter. Criteria: GeneDx Variant Classification Process June 2021. Collection method: clinical testing. Allele origin: germline. Affected: yes.
Comment: Not observed in large population cohorts (Lek et al., 2016); Frameshift variant predicted to result in protein truncation or nonsense mediated decay in a gene for which loss-of-function is not a known mechanism of disease; Has not been previously published as pathogenic or benign to our knowledge

NM_002739.5(PRKCG):c.341_356del (p.Cys114fs)

Gene: PRKCG (protein kinase C gamma; plus strand). Cytogenetic location: 19q13.42.
Variant type: Deletion.
Coding change: c.341_356del on transcript NM_002739.5 (MANE Select); coding-DNA positions 341 to 356, 16 bases deleted (GCGACCACTGTGGCTC).
Protein change: p.Cys114fs; shifts the reading frame from cysteine 114.
Molecular consequence: frameshift variant.
Genome position (GRCh38, 1-based): chr19:53,889,693-53,889,708, GCGACCACTGTGGCTC deleted. VCF-style (leftmost placement, unchanged base first): chr19-53889692-TGCGACCACTGTGGCTC-T. GRCh37 (hg19) VCF-style: chr19-54392946-TGCGACCACTGTGGCTC-T.
Other names: c.341_356del, p.Cys114fs (NM_001316329.2); short protein forms C114fs.
Identifiers: ClinVar variation 1314858 (VCV001314858.2), dbSNP rs2122988509, ClinGen allele CA2573054825.